The following is an entry in ClinVar:

NM_017617.5(NOTCH1):c.5191C>A (p.Pro1731Thr)

Gene: NOTCH1 (notch receptor 1; minus strand). Cytogenetic location: 9q34.3.
Variant type: single nucleotide variant.
Coding change: c.5191C>A on transcript NM_017617.5 (MANE Select); coding-DNA position 5191, C replaced by A.
Protein change: p.Pro1731Thr; replaces proline 1731 with threonine.
Molecular consequence: missense variant.
Genome position (GRCh38, 1-based): chr9:136,502,465, G>T on the plus strand (C>A on the coding strand, the complement: NOTCH1 is on the minus strand). VCF-style: chr9-136502465-G-T. GRCh37 (hg19) VCF-style: chr9-139396917-G-T.
Other names: short protein forms P1731T.
Identifiers: ClinVar variation 1912802 (VCV001912802.5), dbSNP rs2133331775, ClinGen allele CA375641236.

ClinVar aggregate classification (germline): Uncertain significance (1 of 4 stars; one submission).

Conditions:
Adams-Oliver syndrome 5 (AOS5). Identifiers: Orphanet 974, MedGen C4014970, MONDO:0014459, OMIM 616028.

Submission:

Labcorp Genetics (formerly Invitae), Labcorp
Classification: Uncertain significance for Adams-Oliver syndrome 5. Last evaluated: 2022-02-23. Review status: criteria provided, single submitter. Criteria: Invitae Variant Classification Sherloc (09022015). Collection method: clinical testing. Allele origin: germline.
Comment: This sequence change replaces proline, which is neutral and non-polar, with threonine, which is neutral and polar, at codon 1731 of the NOTCH1 protein (p.Pro1731Thr). This variant is not present in population databases (gnomAD no frequency). This variant has not been reported in the literature in individuals affected with NOTCH1-related conditions. Advanced modeling of protein sequence and biophysical properties (such as structural, functional, and spatial information, amino acid conservation, physicochemical variation, residue mobility, and thermodynamic stability) performed at Invitae indicates that this missense variant is not expected to disrupt NOTCH1 protein function. In summary, the available evidence is currently insufficient to determine the role of this variant in disease. Therefore, it has been classified as a Variant of Uncertain Significance.